The following is an entry in ClinVar:

NM_005802.5(TOPORS):c.610A>G (p.Thr204Ala)

Gene: TOPORS (TOP1 binding arginine/serine rich protein, E3 ubiquitin ligase; minus strand). Cytogenetic location: 9p21.1.
Variant type: single nucleotide variant.
Coding change: c.610A>G on transcript NM_005802.5 (MANE Select); coding-DNA position 610, A replaced by G.
Protein change: p.Thr204Ala; replaces threonine 204 with alanine.
Molecular consequence: missense variant.
Genome position (GRCh38, 1-based): chr9:32,543,915, T>C on the plus strand (A>G on the coding strand, the complement: TOPORS is on the minus strand). VCF-style: chr9-32543915-T-C. GRCh37 (hg19) VCF-style: chr9-32543913-T-C.
Other names: c.415A>G, p.Thr139Ala (NM_001195622.2); short protein forms T139A, T204A.
Identifiers: ClinVar variation 1051265 (VCV001051265.10), dbSNP rs770838040, ClinGen allele CA5020622.

ClinVar aggregate classification (germline): Uncertain significance. Review status: criteria provided, multiple submitters, no conflicts (2 of 4 stars). 2 submissions from 2 submitters: Uncertain significance (2). Last evaluated 2024-08-15.

Allele frequency attached by ClinVar (database versions not stated): gnomAD exomes below 0.00001 and 0.00001; TOPMed 0.00001; ExAC 0.00002.
gnomAD v4.1: 4 of 1,614,170 alleles (0.00025%); highest among the groups gnomAD compares: Non-Finnish European, 0.00034%; no homozygotes.

Submissions (2):

Labcorp Genetics (formerly Invitae), Labcorp
Classification: Uncertain significance. Last evaluated: 2024-08-15. Review status: criteria provided, single submitter. Criteria: Invitae Variant Classification Sherloc (09022015). Collection method: clinical testing. Allele origin: germline.
Comment: This sequence change replaces threonine, which is neutral and polar, with alanine, which is neutral and non-polar, at codon 204 of the TOPORS protein (p.Thr204Ala). This variant is present in population databases (rs770838040, gnomAD 0.002%). This variant has not been reported in the literature in individuals affected with TOPORS-related conditions. ClinVar contains an entry for this variant (Variation ID: 1051265). An algorithm developed to predict the effect of missense changes on protein structure and function (PolyPhen-2) suggests that this variant is likely to be tolerated. In summary, the available evidence is currently insufficient to determine the role of this variant in disease. Therefore, it has been classified as a Variant of Uncertain Significance.

Blueprint Genetics
Classification: Uncertain significance. Last evaluated: 2019-11-11. Review status: criteria provided, single submitter. Criteria: ACMG Guidelines, 2015. Collection method: clinical testing. Allele origin: germline.